The following is an entry in ClinVar:

NM_001278116.2(L1CAM):c.2329A>G (p.Asn777Asp)

Gene: L1CAM (L1 cell adhesion molecule; minus strand). Cytogenetic location: Xq28.
Variant type: single nucleotide variant.
Coding change: c.2329A>G on transcript NM_001278116.2 (MANE Select); coding-DNA position 2329, A replaced by G.
Protein change: p.Asn777Asp; replaces asparagine 777 with aspartic acid.
Molecular consequence: missense variant.
Genome position (GRCh38, 1-based): chrX:153,866,751, T>C on the plus strand (A>G on the coding strand, the complement: L1CAM is on the minus strand). VCF-style: chrX-153866751-T-C. GRCh37 (hg19) VCF-style: chrX-153132206-T-C.
Other names: c.2329A>G, p.Asn777Asp (NM_000425.5, NM_024003.3); c.2314A>G, p.Asn772Asp (NM_001143963.2); short protein forms N772D, N777D.
Identifiers: ClinVar variation 4751765 (VCV004751765.1).
Genomic context (GRCh38, chrX:153,866,751, plus strand): 5'-CCTTGCCCTGGCTGTTGACGGCCTGGACTTTGATCTCATAGGGCACGAAGGTGGACGTGT[T>C]GGACACCACCAGGAAGGGGTCGCTGACAATCTGCTCCTGCCAGGGCCCTCGTGTCCCCTG-3'
Protein context (NP_001265045.1, residues 767-787): IVSDPFLVVS[Asn777Asp]TSTFVPYEIK

ClinVar aggregate classification (germline): Uncertain significance (1 of 4 stars; one submission).

Conditions:
Spastic paraplegia. Identifiers: MedGen C0037772, HP:0001258.

Submission:

Labcorp Genetics (formerly Invitae), Labcorp
Classification: Uncertain significance for Spastic paraplegia. Last evaluated: 2025-05-22. Review status: criteria provided, single submitter. Criteria: Invitae Variant Classification Sherloc (09022015). Collection method: clinical testing. Allele origin: germline.
Comment: This sequence change replaces asparagine, which is neutral and polar, with aspartic acid, which is acidic and polar, at codon 777 of the L1CAM protein (p.Asn777Asp). This variant is not present in population databases (gnomAD no frequency). This variant has not been reported in the literature in individuals affected with L1CAM-related conditions. Invitae Evidence Modeling of protein sequence and biophysical properties (such as structural, functional, and spatial information, amino acid conservation, physicochemical variation, residue mobility, and thermodynamic stability) indicates that this missense variant is not expected to disrupt L1CAM protein function with a negative predictive value of 95%. In summary, the available evidence is currently insufficient to determine the role of this variant in disease. Therefore, it has been classified as a Variant of Uncertain Significance.